The following is an entry in ClinVar:

NM_007183.4(PKP3):c.1431C>G (p.Asn477Lys)

Gene: PKP3 (plakophilin 3; plus strand). Cytogenetic location: 11p15.5.
Variant type: single nucleotide variant.
Coding change: c.1431C>G on transcript NM_007183.4 (MANE Select); coding-DNA position 1431, C replaced by G.
Protein change: p.Asn477Lys; replaces asparagine 477 with lysine.
Molecular consequence: missense variant.
Genome position (GRCh38, 1-based): chr11:400,124, C>G. VCF-style: chr11-400124-C-G. GRCh37 (hg19) VCF-style: chr11-400124-C-G.
Other names: c.1476C>G, p.Asn492Lys (NM_001303029.2); short protein forms N477K, N492K.
Identifiers: ClinVar variation 2641046 (VCV002641046.24), dbSNP rs139128100, ClinGen allele CA5775869.

ClinVar aggregate classification (germline): Likely benign (1 of 4 stars; one submission).

Allele frequency attached by ClinVar (database versions not stated): ESP Exome Variant Server 0.00646; 1000 Genomes Project 0.00200; 1000 Genomes Project 30x 0.00234.
gnomAD v4.1: 11,013 of 1,566,322 alleles (0.7%); highest among the groups gnomAD compares: Non-Finnish European, 0.82%; 51 homozygotes.

Submission:

CeGaT Center for Human Genetics Tuebingen
Classification: Likely benign. Last evaluated: 2023-05-01. Review status: criteria provided, single submitter. Criteria: CeGaT Center For Human Genetics Tuebingen Variant Classification Criteria Version 2. Collection method: clinical testing. Allele origin: germline. Affected: yes. Observed: 2 variant alleles.
Comment: PKP3: BS2